The following is an entry in ClinVar:

NM_138694.4(PKHD1):c.3953A>T (p.His1318Leu)

Gene: PKHD1 (PKHD1 ciliary IPT domain containing fibrocystin/polyductin; minus strand). Cytogenetic location: 6p12.2.
Variant type: single nucleotide variant.
Coding change: c.3953A>T on transcript NM_138694.4 (MANE Select); coding-DNA position 3953, A replaced by T.
Protein change: p.His1318Leu; replaces histidine 1318 with leucine.
Molecular consequence: missense variant.
Genome position (GRCh38, 1-based): chr6:52,025,857, T>A on the plus strand (A>T on the coding strand, the complement: PKHD1 is on the minus strand). VCF-style: chr6-52025857-T-A. GRCh37 (hg19) VCF-style: chr6-51890655-T-A.
Other names: c.3953A>T, p.His1318Leu (NM_170724.3); c.3953A>T (NM_138694.3); short protein forms H1318L.
Identifiers: ClinVar variation 595245 (VCV000595245.18), dbSNP rs200733734, ClinGen allele CA3852805.

ClinVar aggregate classification (germline): Conflicting classifications of pathogenicity. Review status: criteria provided, conflicting classifications (1 of 4 stars). 5 submissions from 5 submitters: Uncertain significance (4); Likely benign (1). Last evaluated 2026-06-09.

Conditions:
Autosomal recessive polycystic kidney disease (ARPKD). Also called: AR polycystic kidney disease. Identifiers: Orphanet 731, Orphanet 8378, MedGen C0085548, MeSH D017044, MONDO:0009889.
PKHD1-related disorder. Also called: PKHD1-related condition.
Polycystic kidney disease 4 (PKD4). Also called: POLYCYSTIC KIDNEY DISEASE 4 WITH OR WITHOUT POLYCYSTIC LIVER DISEASE; Autosomal Recessive Polycystic Kidney Disease – PKHD1; PKD3; POLYCYSTIC KIDNEY AND HEPATIC DISEASE 1; POLYCYSTIC KIDNEY DISEASE, INFANTILE, TYPE I. Identifiers: MedGen C4540575, MONDO:0033004, OMIM 263200.

Allele frequency attached by ClinVar (database versions not stated): gnomAD 0.00002 and 0.00003; gnomAD exomes 0.00004 and 0.00011; TOPMed 0.00006; ExAC 0.00011; 1000 Genomes Project 30x 0.00031; 1000 Genomes Project 0.00040.
gnomAD v4.1: 71 of 1,614,174 alleles (0.0044%); highest among the groups gnomAD compares: East Asian, 0.12%; no homozygotes.

Submissions (5):

PreventionGenetics, part of Exact Sciences
Classification: Uncertain significance for PKHD1-related condition. Last evaluated: 2026-06-09. Review status: criteria provided, single submitter. Criteria: ACMG Guidelines, 2015. Collection method: clinical testing. Allele origin: germline.
Comment: The PKHD1 c.3953A>T variant is predicted to result in the amino acid substitution p.His1318Leu. This variant has been reported in a compound heterozygous or heterozygous state in individuals with autosomal dominant polycystic kidney disease (Supplemental Table 2, Yu et al 2022. PubMed ID: 35778421). This variant is reported in 0.13% of alleles in individuals of East Asian descent in gnomAD and has conflicting classifications in ClinVar ranging from likely benign to uncertain (Variation ID: 595245). Although we suspect that this variant may be benign, at this time, the clinical significance of this variant is uncertain due to the absence of conclusive functional and genetic evidence.

Labcorp Genetics (formerly Invitae), Labcorp
Classification: Likely benign for Autosomal recessive polycystic kidney disease. Last evaluated: 2025-12-08. Review status: criteria provided, single submitter. Criteria: Invitae Variant Classification Sherloc (09022015). Collection method: clinical testing. Allele origin: germline.

Department of Pathology and Laboratory Medicine, Sinai Health System
Classification: Uncertain significance for Polycystic kidney disease 4. Last evaluated: 2023-09-06. Review status: criteria provided, single submitter. Criteria: ACMG Guidelines, 2015. Collection method: clinical testing. Allele origin: germline. Affected: yes.

GeneDx
Classification: Uncertain significance. Last evaluated: 2023-05-08. Review status: criteria provided, single submitter. Criteria: GeneDx Variant Classification Process June 2021. Collection method: clinical testing. Allele origin: germline. Affected: yes.
Comment: Identified with a second PKHD1 variant in a family with polycystic kidney disease, however, detailed clinical and segregation information were not provided (Yu et al., 2022); In silico analysis supports that this missense variant does not alter protein structure/function; This variant is associated with the following publications: (PMID: 35778421)

Eurofins Ntd Llc (ga)
Classification: Uncertain significance. Last evaluated: 2017-12-05. Review status: criteria provided, single submitter. Criteria: EGL Classification Definitions 2015. Collection method: clinical testing. Allele origin: germline. Observed: 1 variant allele, 1 heterozygote.